The following is an entry in ClinVar:

NM_025074.7(FRAS1):c.5896dup (p.Leu1966fs)

Gene: FRAS1 (Fraser extracellular matrix complex subunit 1; plus strand). Cytogenetic location: 4q21.21.
Variant type: Duplication.
Coding change: c.5896dup on transcript NM_025074.7 (MANE Select); coding-DNA position 5896, one base duplicated (C; older notation c.5896dupC).
Protein change: p.Leu1966fs; shifts the reading frame from leucine 1966.
Molecular consequence: frameshift variant.
Genome position (GRCh38, 1-based): chr4:78,446,766, C duplicated; the last of 4 consecutive C bases (chr4:78,446,763-78,446,766); duplicating any one gives the same sequence. VCF-style (leftmost placement, unchanged base first): chr4-78446762-G-GC. GRCh37 (hg19) VCF-style: chr4-79367916-G-GC.
Other names: short protein forms L1966fs.
Identifiers: ClinVar variation 2693329 (VCV002693329.3), dbSNP rs2477219950, ClinGen allele CA2697546776.

ClinVar aggregate classification (germline): Pathogenic (1 of 4 stars; one submission).

Submission:

Labcorp Genetics (formerly Invitae), Labcorp
Classification: Pathogenic. Last evaluated: 2023-11-04. Review status: criteria provided, single submitter. Criteria: Invitae Variant Classification Sherloc (09022015). Collection method: clinical testing. Allele origin: germline.
Comment: This sequence change creates a premature translational stop signal (p.Leu1966Profs*26) in the FRAS1 gene. It is expected to result in an absent or disrupted protein product. Loss-of-function variants in FRAS1 are known to be pathogenic (PMID: 12766769, 18671281). This variant is not present in population databases (gnomAD no frequency). This variant has not been reported in the literature in individuals affected with FRAS1-related conditions. Algorithms developed to predict the effect of sequence changes on RNA splicing suggest that this variant may disrupt the consensus splice site. For these reasons, this variant has been classified as Pathogenic.

Literature cited by the submitters: PubMed 12766769; PubMed 18671281.